The following is an entry in ClinVar:

NM_139343.3(BIN1):c.1771A>G (p.Arg591Gly)

Gene: BIN1 (bridging integrator 1; minus strand). Cytogenetic location: 2q14.3.
Variant type: single nucleotide variant.
Coding change: c.1771A>G on transcript NM_139343.3 (MANE Select); coding-DNA position 1771, A replaced by G.
Protein change: p.Arg591Gly; replaces arginine 591 with glycine.
Molecular consequence: missense variant.
Genome position (GRCh38, 1-based): chr2:127,048,537, T>C on the plus strand (A>G on the coding strand, the complement: BIN1 is on the minus strand). VCF-style: chr2-127048537-T-C. GRCh37 (hg19) VCF-style: chr2-127806113-T-C.
Other names: c.1264A>G, p.Arg422Gly (NM_001320632.2); c.1402A>G, p.Arg468Gly (NM_001320633.2); c.1147A>G, p.Arg383Gly (NM_001320634.1); c.1531A>G, p.Arg511Gly (NM_001320640.2); c.1678A>G, p.Arg560Gly (NM_001320641.2); c.1690A>G, p.Arg564Gly (NM_001320642.1); c.1354A>G, p.Arg452Gly (NM_004305.4); c.1642A>G, p.Arg548Gly (NM_139344.3); and 7 more; short protein forms R383G, R407G, R422G, R437G, R452G, R468G, R473G, R480G.
Identifiers: ClinVar variation 1054998 (VCV001054998.9), dbSNP rs2104839547, ClinGen allele CA348373315.

ClinVar aggregate classification (germline): Uncertain significance (1 of 4 stars; one submission).

Conditions:
Myopathy, centronuclear, 2 (CNM2). Also called: MYOTUBULAR MYOPATHY, AUTOSOMAL RECESSIVE. Identifiers: Orphanet 169186, MedGen CN031787, MONDO:0009709, OMIM 255200.

Submission:

Labcorp Genetics (formerly Invitae), Labcorp
Classification: Uncertain significance for Myopathy, centronuclear, 2. Last evaluated: 2020-07-13. Review status: criteria provided, single submitter. Criteria: Invitae Variant Classification Sherloc (09022015). Collection method: clinical testing. Allele origin: germline.
Comment: In summary, the available evidence is currently insufficient to determine the role of this variant in disease. Therefore, it has been classified as a Variant of Uncertain Significance. Algorithms developed to predict the effect of missense changes on protein structure and function are either unavailable or do not agree on the potential impact of this missense change (SIFT: "Tolerated"; PolyPhen-2: "Possibly Damaging"; Align-GVGD: "Class C0"). This variant has not been reported in the literature in individuals with BIN1-related conditions. This variant is not present in population databases (ExAC no frequency). This sequence change replaces arginine with glycine at codon 591 of the BIN1 protein (p.Arg591Gly). The arginine residue is moderately conserved and there is a moderate physicochemical difference between arginine and glycine.